The following is an entry in ClinVar:

NM_004006.3(DMD):c.9362-3C>T

Gene: DMD (dystrophin; minus strand). Cytogenetic location: Xp21.2.
Variant type: single nucleotide variant.
Coding change: c.9362-3C>T on transcript NM_004006.3 (MANE Select); 3 bases into the intron before coding-DNA position 9362, C replaced by T.
Molecular consequence: intron variant.
Genome position (GRCh38, 1-based): chrX:31,209,702, G>A on the plus strand (C>T on the coding strand, the complement: DMD is on the minus strand). VCF-style: chrX-31209702-G-A. GRCh37 (hg19) VCF-style: chrX-31227819-G-A.
Other names: p.?; c.9338-3C>T (NM_000109.4); c.5339-3C>T (NM_004011.4); c.5330-3C>T (NM_004012.4); c.1982-3C>T (NM_004023.3, NM_004020.4, NM_004022.3 and 2 more transcripts); c.1175-3C>T (NM_004014.3); c.158-3C>T (NM_004018.3, NM_004017.3, NM_004016.3 and 2 more transcripts); c.9350-3C>T (NM_004009.3); and 1 more.
Identifiers: ClinVar variation 228596 (VCV000228596.11), dbSNP rs752816247, ClinGen allele CA10377815.

ClinVar aggregate classification (germline): Uncertain significance. Review status: criteria provided, multiple submitters, no conflicts (2 of 4 stars). 6 submissions from 6 submitters: Uncertain significance (5). 1 of the submissions does not count toward it. Last evaluated 2024-09-18.

Conditions:
Dystrophin deficiency.
Becker muscular dystrophy (BMD). Also called: Becker Muscular Dystrophy (BMD); MUSCULAR DYSTROPHY, PSEUDOHYPERTROPHIC PROGRESSIVE, BECKER TYPE. Identifiers: Orphanet 98895, MedGen C0917713, MONDO:0010311, OMIM 300376.
Duchenne muscular dystrophy (DMD). Also called: Duchenne Muscular Dystrophy (DMD); MUSCULAR DYSTROPHY, PSEUDOHYPERTROPHIC PROGRESSIVE, DUCHENNE TYPE. Identifiers: Orphanet 98896, MedGen C0013264, MONDO:0010679, OMIM 310200.
Cardiomyopathy (CMYO). Also called: Cardiomyopathies. Identifiers: Orphanet 167848, MedGen C0878544, MONDO:0004994, HP:0001638. Inheritance: Various modes of inheritance.
Cardiovascular phenotype. Identifiers: MedGen CN230736.

Allele frequency attached by ClinVar (database versions not stated): ExAC below 0.00001; gnomAD exomes below 0.00001.
gnomAD v4.1: 5 of 1,207,718 alleles (0.00041%); highest among the groups gnomAD compares: Non-Finnish European, 0.00056%; no homozygotes.

Submissions (6):

Mayo Clinic Laboratories, Mayo Clinic
Classification: Uncertain significance. Last evaluated: 2024-09-18. Review status: criteria provided, single submitter. Criteria: ACMG Guidelines, 2015. Collection method: clinical testing. Allele origin: germline. Observed: 1 variant allele.
Comment: BP4, PM2

Blueprint Genetics
Classification: Uncertain significance. Last evaluated: 2022-05-05. Review status: criteria provided, single submitter. Criteria: ACMG Guidelines, 2015. Collection method: clinical testing. Allele origin: germline.

Ambry Genetics
Classification: Uncertain significance for Cardiovascular phenotype. Last evaluated: 2022-03-08. Review status: criteria provided, single submitter. Criteria: Ambry Variant Classification Scheme 2023. Collection method: clinical testing. Allele origin: germline.
Comment: The c.9362-3C>T intronic variant results from a C to T substitution 3 nucleotides upstream from coding exon 65 in the DMD gene. This nucleotide position is well conserved in available vertebrate species. In silico splice site analysis predicts that this alteration will not have any significant effect on splicing. Since supporting evidence is limited at this time, the clinical significance of this alteration remains unclear.

Labcorp Genetics (formerly Invitae), Labcorp
Classification: Uncertain significance for Duchenne muscular dystrophy. Last evaluated: 2021-03-22. Review status: criteria provided, single submitter. Criteria: Invitae Variant Classification Sherloc (09022015). Collection method: clinical testing. Allele origin: germline.
Comment: This sequence change falls in intron 64 of the DMD gene. It does not directly change the encoded amino acid sequence of the DMD protein. It affects a nucleotide within the consensus splice site of the intron. The frequency data for this variant in the population databases is considered unreliable, as metrics indicate poor data quality at this position in the ExAC database. This variant has not been reported in the literature in individuals with DMD-related conditions. ClinVar contains an entry for this variant (Variation ID: 228596). Nucleotide substitutions within the consensus splice site are a relatively common cause of aberrant splicing (PMID: 17576681, 9536098). Algorithms developed to predict the effect of sequence changes on RNA splicing suggest that this variant may disrupt the consensus splice site, but this prediction has not been confirmed by published transcriptional studies. In summary, the available evidence is currently insufficient to determine the role of this variant in disease. Therefore, it has been classified as a Variant of Uncertain Significance.

Laboratory for Molecular Medicine, Mass General Brigham Personalized Medicine
Classification: Uncertain significance. Last evaluated: 2015-09-09. Review status: criteria provided, single submitter. Criteria: LMM Criteria. Collection method: clinical testing. Allele origin: germline. Observed: 1 variant allele.
Comment: The c.9362-3C>T variant in DMD has not been previously reported in individuals w ith cardiomyopathy and data from large population studies is insufficient to ass ess the frequency of this variant. This variant is located in the 3' splice regi on. Computational tools do not suggest an impact to splicing and a C>T change at this position does not diverge from the splice consensus sequence and is theref ore unlikely to impact splicing. However, this information is not predictive eno ugh to rule out pathogenicity. In summary, the clinical significance of the c.93 62-3C>T variant is uncertain.

Natera, Inc.
Classification: Uncertain significance for Becker muscular dystrophy; Cardiomyopathy; Duchenne muscular dystrophy; Dystrophin deficiency. Last evaluated: 2021-01-28. Review status: no assertion criteria provided. Collection method: clinical testing. Allele origin: germline. Not counted in ClinVar's aggregate classification.

Literature cited by the submitters: PubMed 17576681 (cited by Labcorp Genetics (formerly Invitae), Labcorp); PubMed 9536098 (cited by Labcorp Genetics (formerly Invitae), Labcorp).